The following is an entry in ClinVar:

NM_000059.4(BRCA2):c.5100T>C (p.Gly1700=)

Gene: BRCA2 (BRCA2 DNA repair associated; plus strand). Cytogenetic location: 13q13.1.
Variant type: single nucleotide variant.
Coding change: c.5100T>C on transcript NM_000059.4 (MANE Select); coding-DNA position 5100, T replaced by C.
Protein change: p.Gly1700=; no amino-acid change (glycine 1700 retained).
Molecular consequence: synonymous variant.
Genome position (GRCh38, 1-based): chr13:32,339,455, T>C. VCF-style: chr13-32339455-T-C. GRCh37 (hg19) VCF-style: chr13-32913592-T-C.
Identifiers: ClinVar variation 479274 (VCV000479274.11), dbSNP rs982587468, ClinGen allele CA247509001.

ClinVar aggregate classification (germline): Likely benign. Review status: criteria provided, multiple submitters, no conflicts (2 of 4 stars). 4 submissions from 4 submitters: Likely benign (3). 1 of the submissions does not count toward it. Last evaluated 2023-12-30.

Conditions:
Hereditary cancer-predisposing syndrome. Also called: Tumor predisposition; Neoplastic Syndromes, Hereditary; Hereditary Cancer Syndrome; Hereditary neoplastic syndrome. Identifiers: Orphanet 140162, MedGen C0027672, MeSH D009386, MONDO:0015356.
Hereditary breast ovarian cancer syndrome. Also called: Hereditary breast and ovarian cancer; Breast and ovarian cancer; Hereditary breast and/or ovarian cancer syndrome; Hereditary breast and ovarian cancer syndrome (HBOC); BRCA1- and BRCA2-Associated Hereditary Breast and Ovarian Cancer; Hereditary breast and ovarian cancer syndrome. Identifiers: Orphanet 145, MedGen C0677776, MeSH D061325, MONDO:0003582. Disease mechanism: loss of function.
Breast-ovarian cancer, familial, susceptibility to, 2 (BROVCA2). Also called: BRCA2 Hereditary Breast and Ovarian Cancer. Identifiers: Orphanet 145, MedGen C2675520, MONDO:0012933, OMIM 612555. Disease mechanism: loss of function.

gnomAD v4.1: 1 of 1,588,042 alleles (0.000063%); highest among the groups gnomAD compares: African/African-American, 0.0014%; no homozygotes.

Submissions (4):

Labcorp Genetics (formerly Invitae), Labcorp
Classification: Likely benign for Hereditary breast ovarian cancer syndrome. Last evaluated: 2023-12-30. Review status: criteria provided, single submitter. Criteria: Invitae Variant Classification Sherloc (09022015). Collection method: clinical testing. Allele origin: germline.

Color Diagnostics, LLC DBA Color Health
Classification: Likely benign for Hereditary cancer-predisposing syndrome. Last evaluated: 2019-01-08. Review status: criteria provided, single submitter. Criteria: ACMG Guidelines, 2015. Collection method: clinical testing. Allele origin: germline.

Ambry Genetics
Classification: Likely benign for Hereditary cancer-predisposing syndrome. Last evaluated: 2017-08-01. Review status: criteria provided, single submitter. Criteria: Ambry Variant Classification Scheme 2023. Collection method: clinical testing. Allele origin: germline.

Department of Pathology and Laboratory Medicine, Sinai Health System
Classification: Likely benign for Breast-ovarian cancer, familial, susceptibility to, 2. Review status: no assertion criteria provided. Collection method: clinical testing. Allele origin: unknown. Affected: yes. Study: The Canadian Open Genetics Repository (COGR). Not counted in ClinVar's aggregate classification.
Comment: The BRCA2 p.Gly1700= variant was not identified in the literature nor was it identified in the COGR, Cosmic, LOVD 3.0, UMD-LSDB, BIC Database, ARUP Laboratories, or Zhejiang University database. The variant was identified in dbSNP (ID: rs982587468), ClinVar (classified as likely benign by Ambry Genetics), and Clinvitae databases. The variant was not identified in the 1000 Genomes Project, the NHLBI GO Exome Sequencing Project, the Exome Aggregation Consortium (August 8th 2016), or the Genome Aggregation Database (Feb 27, 2017). The p.Gly1700= variant is not expected to have clinical significance because it does not result in a change of amino acid and is not located in a known consensus splice site. The variant occurs outside of the splicing consensus sequence and 1 of 5 in silico or computational prediction software programs (SpliceSiteFinder, MaxEntScan, NNSPLICE, GeneSplicer, HumanSpliceFinder) predict a greater than 10% difference in splicing; this is not very predictive of pathogenicity. In summary, based on the above information the clinical significance of this variant cannot be determined with certainty at this time although we would lean towards a more benign role for this variant. This variant is classified as likely benign.